The following is an entry in ClinVar:

ClinVar aggregate classification (germline): Uncertain significance (1 of 4 stars; one submission).

gnomAD v4.1: 12 of 1,614,078 alleles (0.00074%); highest among the groups gnomAD compares: African/African-American, 0.004%; no homozygotes.

Submission:

Labcorp Genetics (formerly Invitae), Labcorp
Classification: Uncertain significance. Last evaluated: 2020-12-12. Review status: criteria provided, single submitter. Criteria: Invitae Variant Classification Sherloc (09022015). Collection method: clinical testing. Allele origin: germline.
Comment: This sequence change replaces glycine with arginine at codon 82 of the NANS protein (p.Gly82Arg). The glycine residue is highly conserved and there is a moderate physicochemical difference between glycine and arginine. In summary, the available evidence is currently insufficient to determine the role of this variant in disease. Therefore, it has been classified as a Variant of Uncertain Significance. Algorithms developed to predict the effect of missense changes on protein structure and function (SIFT, PolyPhen-2, Align-GVGD) all suggest that this variant is likely to be disruptive, but these predictions have not been confirmed by published functional studies and their clinical significance is uncertain. This variant has not been reported in the literature in individuals with NANS-related conditions. This variant is not present in population databases (ExAC no frequency).

NM_018946.4(NANS):c.244G>C (p.Gly82Arg)

Genes: NANS (N-acetylneuraminate synthase; plus strand), TRIM14 (tripartite motif containing 14; minus strand). Cytogenetic location: 9q22.33.
Variant type: single nucleotide variant.
Coding change: c.244G>C on transcript NM_018946.4 (MANE Select); coding-DNA position 244, G replaced by C.
Protein change: p.Gly82Arg; replaces glycine 82 with arginine.
Molecular consequence: missense variant.
Genome position (GRCh38, 1-based): chr9:98,060,893, G>C. VCF-style: chr9-98060893-G-C. GRCh37 (hg19) VCF-style: chr9-100823175-G-C.
Other names: short protein forms G82R.
Identifiers: ClinVar variation 1372048 (VCV001372048.6), dbSNP rs370013075, ClinGen allele CA196762490.